The following is an entry in ClinVar:

ClinVar aggregate classification (germline): Likely pathogenic (1 of 4 stars; one submission).

Conditions:
Schimke immuno-osseous dysplasia (SIOD). Also called: Schimke Immunoosseous Dysplasia. Identifiers: Orphanet 1830, MedGen C0877024, MONDO:0009458, OMIM 242900.

Submission:

Labcorp Genetics (formerly Invitae), Labcorp
Classification: Likely pathogenic for Schimke immuno-osseous dysplasia. Last evaluated: 2023-09-19. Review status: criteria provided, single submitter. Criteria: Invitae Variant Classification Sherloc (09022015). Collection method: clinical testing. Allele origin: germline.
Comment: In summary, the currently available evidence indicates that the variant is pathogenic, but additional data are needed to prove that conclusively. Therefore, this variant has been classified as Likely Pathogenic. Algorithms developed to predict the effect of sequence changes on RNA splicing suggest that this variant may disrupt the consensus splice site. This variant has not been reported in the literature in individuals affected with SMARCAL1-related conditions. This variant is not present in population databases (gnomAD no frequency). This sequence change affects an acceptor splice site in intron 10 of the SMARCAL1 gene. It is expected to disrupt RNA splicing. Variants that disrupt the donor or acceptor splice site typically lead to a loss of protein function (PMID: 16199547), and loss-of-function variants in SMARCAL1 are known to be pathogenic (PMID: 11799392, 20301550).

Literature cited by the submitters: PubMed 16199547; PubMed 11799392; PubMed 20301550.

NM_014140.4(SMARCAL1):c.1711-2A>C

Gene: SMARCAL1 (SNF2 related chromatin remodeling annealing helicase 1; plus strand). Cytogenetic location: 2q35.
Variant type: single nucleotide variant.
Coding change: c.1711-2A>C on transcript NM_014140.4 (MANE Select); the canonical splice acceptor site of the intron before coding-DNA position 1711, A replaced by C.
Molecular consequence: splice acceptor variant.
Genome position (GRCh38, 1-based): chr2:216,447,016, A>C. VCF-style: chr2-216447016-A-C. GRCh37 (hg19) VCF-style: chr2-217311739-A-C.
Other names: c.1711-2A>C (NM_001127207.2).
Identifiers: ClinVar variation 2761867 (VCV002761867.3), dbSNP rs2469012467, ClinGen allele CA350501582.